The following is an entry in ClinVar:

NM_006214.4(PHYH):c.847G>A (p.Ala283Thr)

Gene: PHYH (phytanoyl-CoA 2-hydroxylase; minus strand). Cytogenetic location: 10p13.
Variant type: single nucleotide variant.
Coding change: c.847G>A on transcript NM_006214.4 (MANE Select); coding-DNA position 847, G replaced by A.
Protein change: p.Ala283Thr; replaces alanine 283 with threonine.
Molecular consequence: missense variant.
Genome position (GRCh38, 1-based): chr10:13,281,092, C>T on the plus strand (G>A on the coding strand, the complement: PHYH is on the minus strand). VCF-style: chr10-13281092-C-T. GRCh37 (hg19) VCF-style: chr10-13323092-C-T.
Other names: c.547G>A, p.Ala183Thr (NM_001037537.2, NM_001323080.2); c.853G>A, p.Ala285Thr (NM_001323082.2); c.583G>A, p.Ala195Thr (NM_001323083.2); c.553G>A, p.Ala185Thr (NM_001323084.2); c.847G>A (NM_006214.3); short protein forms A183T, A185T, A195T, A283T, A285T.
Identifiers: ClinVar variation 1019049 (VCV001019049.10), dbSNP rs771288405, ClinGen allele CA5412219.

ClinVar aggregate classification (germline): Uncertain significance. Review status: criteria provided, multiple submitters, no conflicts (2 of 4 stars). 3 submissions from 3 submitters: Uncertain significance (3). Last evaluated 2023-03-14.

Conditions:
Inborn genetic diseases. Identifiers: MedGen C0950123, MeSH D030342.

Allele frequency attached by ClinVar (database versions not stated): gnomAD 0.00001; gnomAD exomes 0.00001 and 0.00002; TOPMed 0.00001; ExAC 0.00004.
gnomAD v4.1: 22 of 1,613,962 alleles (0.0014%); highest among the groups gnomAD compares: South Asian, 0.0066%; no homozygotes.

Submissions (3):

Ambry Genetics
Classification: Uncertain significance for Inborn genetic diseases. Last evaluated: 2023-03-14. Review status: criteria provided, single submitter. Criteria: Ambry Variant Classification Scheme 2023. Collection method: clinical testing. Allele origin: germline.

Labcorp Genetics (formerly Invitae), Labcorp
Classification: Uncertain significance. Last evaluated: 2022-07-06. Review status: criteria provided, single submitter. Criteria: Invitae Variant Classification Sherloc (09022015). Collection method: clinical testing. Allele origin: germline.
Comment: This sequence change replaces alanine, which is neutral and non-polar, with threonine, which is neutral and polar, at codon 283 of the PHYH protein (p.Ala283Thr). This variant is present in population databases (rs771288405, gnomAD 0.01%). This variant has not been reported in the literature in individuals affected with PHYH-related conditions. ClinVar contains an entry for this variant (Variation ID: 1019049). Algorithms developed to predict the effect of missense changes on protein structure and function are either unavailable or do not agree on the potential impact of this missense change (SIFT: "Deleterious"; PolyPhen-2: "Probably Damaging"; Align-GVGD: "Class C0"). In summary, the available evidence is currently insufficient to determine the role of this variant in disease. Therefore, it has been classified as a Variant of Uncertain Significance.

Blueprint Genetics
Classification: Uncertain significance. Last evaluated: 2017-09-29. Review status: criteria provided, single submitter. Criteria: ACMG Guidelines, 2015. Collection method: clinical testing. Allele origin: germline.